The following is an entry in ClinVar:

ClinVar aggregate classification (germline): Uncertain significance (1 of 4 stars; one submission).

Conditions:
RYR2-related disorder. Also called: RYR2-related condition.

gnomAD v4.1: 1 of 1,613,348 alleles (0.000062%); highest among the groups gnomAD compares: Non-Finnish European, 0.000085%; no homozygotes.

Submission:

PreventionGenetics, part of Exact Sciences
Classification: Uncertain significance for RYR2-related condition. Last evaluated: 2026-07-15. Review status: criteria provided, single submitter. Criteria: ACMG Guidelines, 2015. Collection method: clinical testing. Allele origin: germline.
Comment: The RYR2 c.10426A>G variant is predicted to result in the amino acid substitution p.Ile3476Val. To our knowledge, this variant has not been reported in the literature or in a large population database (gnomAD), indicating this variant is rare. At this time, the clinical significance of this variant is uncertain due to the absence of conclusive functional and genetic evidence.

NM_001035.3(RYR2):c.10426A>G (p.Ile3476Val)

Gene: RYR2 (ryanodine receptor 2; plus strand). Cytogenetic location: 1q43.
Variant type: single nucleotide variant.
Coding change: c.10426A>G on transcript NM_001035.3 (MANE Select); coding-DNA position 10426, A replaced by G.
Protein change: p.Ile3476Val; replaces isoleucine 3476 with valine.
Molecular consequence: missense variant.
Genome position (GRCh38, 1-based): chr1:237,717,300, A>G. VCF-style: chr1-237717300-A-G. GRCh37 (hg19) VCF-style: chr1-237880600-A-G.
Other names: short protein forms I3476V.
Identifiers: ClinVar variation 4995104 (VCV004995104.1).